The following is an entry in ClinVar:

NM_001377.3(DYNC2H1):c.439A>G (p.Ile147Val)

Gene: DYNC2H1 (dynein cytoplasmic 2 heavy chain 1; plus strand). Cytogenetic location: 11q22.3.
Variant type: single nucleotide variant.
Coding change: c.439A>G on transcript NM_001377.3 (MANE Select); coding-DNA position 439, A replaced by G.
Protein change: p.Ile147Val; replaces isoleucine 147 with valine.
Molecular consequence: missense variant.
Genome position (GRCh38, 1-based): chr11:103,114,175, A>G. VCF-style: chr11-103114175-A-G. GRCh37 (hg19) VCF-style: chr11-102984904-A-G.
Other names: c.439A>G, p.Ile147Val (NM_001080463.2); c.439A>G (NM_001080463.1); short protein forms I147V.
Identifiers: ClinVar variation 1433860 (VCV001433860.9), dbSNP rs915084265, ClinGen allele CA227398475.
Genomic context (GRCh38, chr11:103,114,175, plus strand): 5'-AGCAGAAACTTTGATCCCAAACTTCAGAATCTTTTGAGTGAACTAGAAGCTGGGTTGGGT[A>G]TAGTTCTACGAAGATCAGACACTAACTTAACAAAATTGAAATTTAAGGAAGATGACACAC-3'
Protein context (NP_001368.2, residues 137-157): LLSELEAGLG[Ile147Val]VLRRSDTNLT

ClinVar aggregate classification (germline): Uncertain significance. Review status: criteria provided, multiple submitters, no conflicts (2 of 4 stars). 2 submissions from 2 submitters: Uncertain significance (2). Last evaluated 2025-01-27.

Conditions:
Jeune thoracic dystrophy. Also called: Short-rib thoracic dysplasia; Jeune syndrome; Infantile thoracic dystrophy; Thoracic pelvic phalangeal dystrophy; Jeune's syndrome; Chondroectodermal dysplasia-like syndrome. Identifiers: Orphanet 474, MedGen C0265275, MONDO:0018770.
Inborn genetic diseases. Identifiers: MedGen C0950123, MeSH D030342.

Allele frequency attached by ClinVar (database versions not stated): gnomAD exomes below 0.00001; gnomAD 0.00001; TOPMed 0.00001.
gnomAD v4.1: 2 of 1,606,046 alleles (0.00012%); highest among the groups gnomAD compares: Admixed American, 0.0017%; no homozygotes.

Submissions (2):

Ambry Genetics
Classification: Uncertain significance for Inborn genetic diseases. Last evaluated: 2025-01-27. Review status: criteria provided, single submitter. Criteria: Ambry Variant Classification Scheme 2023. Collection method: clinical testing. Allele origin: germline.

Labcorp Genetics (formerly Invitae), Labcorp
Classification: Uncertain significance for Jeune thoracic dystrophy. Last evaluated: 2022-08-16. Review status: criteria provided, single submitter. Criteria: Invitae Variant Classification Sherloc (09022015). Collection method: clinical testing. Allele origin: germline.
Comment: ClinVar contains an entry for this variant (Variation ID: 1433860). This sequence change replaces isoleucine, which is neutral and non-polar, with valine, which is neutral and non-polar, at codon 147 of the DYNC2H1 protein (p.Ile147Val). This variant is present in population databases (no rsID available, gnomAD 0.007%). This variant has not been reported in the literature in individuals affected with DYNC2H1-related conditions. Advanced modeling of protein sequence and biophysical properties (such as structural, functional, and spatial information, amino acid conservation, physicochemical variation, residue mobility, and thermodynamic stability) performed at Invitae indicates that this missense variant is not expected to disrupt DYNC2H1 protein function. In summary, the available evidence is currently insufficient to determine the role of this variant in disease. Therefore, it has been classified as a Variant of Uncertain Significance.